The following is an entry in ClinVar:

ClinVar aggregate classification (germline): Likely pathogenic (1 of 4 stars; one submission).

Conditions:
Autosomal recessive polycystic kidney disease (ARPKD). Also called: AR polycystic kidney disease. Identifiers: Orphanet 731, Orphanet 8378, MedGen C0085548, MeSH D017044, MONDO:0009889.

Submission:

Labcorp Genetics (formerly Invitae), Labcorp
Classification: Likely pathogenic for Autosomal recessive polycystic kidney disease. Last evaluated: 2023-04-10. Review status: criteria provided, single submitter. Criteria: Invitae Variant Classification Sherloc (09022015). Collection method: clinical testing. Allele origin: germline.
Comment: In summary, the currently available evidence indicates that the variant is pathogenic, but additional data are needed to prove that conclusively. Therefore, this variant has been classified as Likely Pathogenic. This variant is not present in population databases (gnomAD no frequency). This variant has not been reported in the literature in individuals affected with PKHD1-related conditions. Algorithms developed to predict the effect of sequence changes on RNA splicing suggest that this variant may disrupt the consensus splice site. This sequence change affects a donor splice site in intron 59 of the PKHD1 gene. It is expected to disrupt RNA splicing. Variants that disrupt the donor or acceptor splice site typically lead to a loss of protein function (PMID: 16199547), and loss-of-function variants in PKHD1 are known to be pathogenic (PMID: 19940839).

Literature cited by the submitters: PubMed 16199547; PubMed 19940839.

NM_138694.4(PKHD1):c.9998+1G>A

Gene: PKHD1 (PKHD1 ciliary IPT domain containing fibrocystin/polyductin; minus strand). Cytogenetic location: 6p12.3.
Variant type: single nucleotide variant.
Coding change: c.9998+1G>A on transcript NM_138694.4 (MANE Select); the canonical splice donor site of the intron after coding-DNA position 9998, G replaced by A.
Molecular consequence: splice donor variant.
Genome position (GRCh38, 1-based): chr6:51,746,720, C>T on the plus strand (G>A on the coding strand, the complement: PKHD1 is on the minus strand). VCF-style: chr6-51746720-C-T. GRCh37 (hg19) VCF-style: chr6-51611518-C-T.
Other names: c.9998+1G>A (NM_170724.3).
Identifiers: ClinVar variation 2854565 (VCV002854565.3), dbSNP rs1554217691, ClinGen allele CA364419179.